The following is an entry in ClinVar:

NM_020937.4(FANCM):c.463T>C (p.Tyr155His)

Gene: FANCM (FA complementation group M; plus strand). Cytogenetic location: 14q21.2.
Variant type: single nucleotide variant.
Coding change: c.463T>C on transcript NM_020937.4 (MANE Select); coding-DNA position 463, T replaced by C.
Protein change: p.Tyr155His; replaces tyrosine 155 with histidine.
Molecular consequence: missense variant.
Genome position (GRCh38, 1-based): chr14:45,136,494, T>C. VCF-style: chr14-45136494-T-C. GRCh37 (hg19) VCF-style: chr14-45605697-T-C.
Other names: c.463T>C, p.Tyr155His (NM_001308133.2, NM_001308134.2); short protein forms Y155H.
Identifiers: ClinVar variation 3512965 (VCV003512965.1).

ClinVar aggregate classification (germline): Uncertain significance (1 of 4 stars; one submission).

Conditions:
Inborn genetic diseases. Identifiers: MedGen C0950123, MeSH D030342.

gnomAD v4.1: 4 of 1,614,020 alleles (0.00025%); highest among the groups gnomAD compares: African/African-American, 0.004%; no homozygotes.

Submission:

Ambry Genetics
Classification: Uncertain significance for Inborn genetic diseases. Last evaluated: 2024-12-02. Review status: criteria provided, single submitter. Criteria: Ambry Variant Classification Scheme 2023. Collection method: clinical testing. Allele origin: germline.
Comment: The p.Y155H variant (also known as c.463T>C), located in coding exon 1 of the FANCM gene, results from a T to C substitution at nucleotide position 463. The tyrosine at codon 155 is replaced by histidine, an amino acid with similar properties. This amino acid position is conserved. In addition, this alteration is predicted to be tolerated by in silico analysis. Based on the available evidence, the clinical significance of this variant remains unclear.